The following is an entry in ClinVar:

NM_000368.5(TSC1):c.2503-12T>C

Gene: TSC1 (TSC complex subunit 1; minus strand). Cytogenetic location: 9q34.13.
Variant type: single nucleotide variant.
Coding change: c.2503-12T>C on transcript NM_000368.5 (MANE Select); 12 bases into the intron before coding-DNA position 2503, T replaced by C.
Molecular consequence: intron variant.
Genome position (GRCh38, 1-based): chr9:132,900,849, A>G on the plus strand (T>C on the coding strand, the complement: TSC1 is on the minus strand). VCF-style: chr9-132900849-A-G. GRCh37 (hg19) VCF-style: chr9-135776236-A-G.
Other names: c.2140-12T>C (NM_001362177.2); c.2350-12T>C (NM_001162427.2); c.2500-12T>C (NM_001162426.2).
Identifiers: ClinVar variation 1598372 (VCV001598372.11), dbSNP rs765263617, ClinGen allele CA033051.

ClinVar aggregate classification (germline): Conflicting classifications of pathogenicity. Review status: criteria provided, conflicting classifications (1 of 4 stars). 5 submissions from 5 submitters: Uncertain significance (1); Likely benign (4). Last evaluated 2025-08-03.

Conditions:
Tuberous sclerosis 1 (TSC1). Identifiers: Orphanet 805, MedGen C1854465, MONDO:0008612, OMIM 191100.
Isolated focal cortical dysplasia type II (FCORD2). Also called: CORTICAL DYSPLASIA OF TAYLOR; Focal cortical dysplasia type II. Identifiers: Orphanet 268994, MedGen C1846385, MONDO:0011818, OMIM 607341, HP:0032051.
Lymphangiomyomatosis (LAM). Also called: Lymphangioleiomyomatosis; Lymphangioleiomyomatosis, somatic. Identifiers: Orphanet 538, MedGen C0751674, MONDO:0011705, OMIM 606690.
Tuberous sclerosis syndrome (TSC). Also called: Tuberous Sclerosis Complex; Tuberous sclerosis. Identifiers: Orphanet 805, MedGen C0041341, MONDO:0001734.

Allele frequency attached by ClinVar (database versions not stated): gnomAD exomes below 0.00001; ExAC 0.00001; TOPMed 0.00001.
gnomAD v4.1: 1 of 1,614,028 alleles (0.000062%); highest among the groups gnomAD compares: Admixed American, 0.0017%; no homozygotes.

Submissions (5):

Labcorp Genetics (formerly Invitae), Labcorp
Classification: Likely benign for Tuberous sclerosis 1. Last evaluated: 2025-08-03. Review status: criteria provided, single submitter. Criteria: Invitae Variant Classification Sherloc (09022015). Collection method: clinical testing. Allele origin: germline.

Myriad Genetics, Inc.
Classification: Likely benign for Tuberous sclerosis 1. Last evaluated: 2025-04-25. Review status: criteria provided, single submitter. Criteria: Myriad Autosomal Dominant, Autosomal Recessive and X-Linked Classification Criteria (2023). Collection method: clinical testing. Allele origin: unknown.
Comment: This variant is considered likely benign. This variant is intronic and is not expected to impact mRNA splicing.

Fulgent Genetics
Classification: Uncertain significance for Tuberous sclerosis 1; Lymphangiomyomatosis; Isolated focal cortical dysplasia type II. Last evaluated: 2024-04-01. Review status: criteria provided, single submitter. Criteria: ACMG Guidelines, 2015. Collection method: clinical testing. Allele origin: germline.

All of Us Research Program, National Institutes of Health
Classification: Likely benign for Tuberous sclerosis syndrome. Last evaluated: 2023-08-28. Review status: criteria provided, single submitter. Criteria: ACMG Guidelines, 2015. Collection method: clinical testing. Allele origin: germline. Inheritance: Autosomal dominant inheritance. Observed: 2 variant alleles, 2 heterozygotes.
Comment: This study involves interpretation of variants in research participants for the purpose of population health screening. Participant phenotype was not available at the time of variant classification. Additional details can be found in publication PMID: 35346344, PMCID: PMC8962531

Color Diagnostics, LLC DBA Color Health
Classification: Likely benign for Tuberous sclerosis syndrome. Last evaluated: 2022-11-15. Review status: criteria provided, single submitter. Criteria: ACMG Guidelines, 2015. Collection method: clinical testing. Allele origin: germline.